The following is an entry in ClinVar:

ClinVar aggregate classification (germline): Uncertain significance (1 of 4 stars; one submission).

Conditions:
Hereditary cancer-predisposing syndrome. Also called: Hereditary neoplastic syndrome; Neoplastic Syndromes, Hereditary; Tumor predisposition; Hereditary Cancer Syndrome. Identifiers: Orphanet 140162, MedGen C0027672, MeSH D009386, MONDO:0015356.

Submission:

Ambry Genetics
Classification: Uncertain significance for Hereditary cancer-predisposing syndrome. Last evaluated: 2025-06-21. Review status: criteria provided, single submitter. Criteria: Ambry Variant Classification Scheme 2023. Collection method: clinical testing. Allele origin: germline.
Comment: The p.I141M variant (also known as c.423C>G), located in coding exon 4 of the RAD50 gene, results from a C to G substitution at nucleotide position 423. The isoleucine at codon 141 is replaced by methionine, an amino acid with highly similar properties. This amino acid position is conserved. In addition, the in silico prediction for this alteration is inconclusive. Based on the available evidence, the clinical significance of this variant remains unclear.

NM_005732.4(RAD50):c.423C>G (p.Ile141Met)

Gene: RAD50 (RAD50 double strand break repair protein; plus strand). Cytogenetic location: 5q31.1.
Variant type: single nucleotide variant.
Coding change: c.423C>G on transcript NM_005732.4 (MANE Select); coding-DNA position 423, C replaced by G.
Protein change: p.Ile141Met; replaces isoleucine 141 with methionine.
Molecular consequence: missense variant.
Genome position (GRCh38, 1-based): chr5:132,579,374, C>G. VCF-style: chr5-132579374-C-G. GRCh37 (hg19) VCF-style: chr5-131915066-C-G.
Other names: short protein forms I141M.
Identifiers: ClinVar variation 4149716 (VCV004149716.1).